The following is an entry in ClinVar:

ClinVar aggregate classification (germline): Likely benign (0 of 4 stars; one submission).

Conditions:
Platelet-type bleeding disorder 15 (BDPLT15). Also called: MACROTHROMBOCYTOPENIA, AUTOSOMAL DOMINANT, ACTN1-RELATED. Identifiers: Orphanet 140957, MedGen C3554663, MONDO:0014078, OMIM 615193.

Allele frequency attached by ClinVar (database versions not stated): TOPMed below 0.00001; gnomAD 0.00001.
gnomAD v4.1: 3 of 1,614,036 alleles (0.00019%); highest among the groups gnomAD compares: Admixed American, 0.0017%; no homozygotes.

Submission:

ISTH-SSC Genomics in Thrombosis and Hemostasis, KU Leuven, Center for Molecular and Vascular Biology
Classification: Likely benign for Platelet-type bleeding disorder 15. Review status: no assertion criteria provided. Collection method: research. Allele origin: unknown. Affected: yes.
Comment: Submitted to GoldVariant by Dr Marie-Christine Morel-Kopp from Northern Blood Research Centre, Sydney, Australia

NM_001130004.2(ACTN1):c.2108A>G (p.Asn703Ser)

Gene: ACTN1 (actinin alpha 1; minus strand). Cytogenetic location: 14q24.1.
Variant type: single nucleotide variant.
Coding change: c.2108A>G on transcript NM_001130004.2 (MANE Select); coding-DNA position 2108, A replaced by G.
Protein change: p.Asn703Ser; replaces asparagine 703 with serine.
Molecular consequence: missense variant.
Genome position (GRCh38, 1-based): chr14:68,880,835, T>C on the plus strand (A>G on the coding strand, the complement: ACTN1 is on the minus strand). VCF-style: chr14-68880835-T-C. GRCh37 (hg19) VCF-style: chr14-69347552-T-C.
Other names: c.2108A>G, p.Asn703Ser (NM_001102.4, NM_001130005.2); short protein forms N703S.
Identifiers: ClinVar variation 1684465 (VCV001684465.1), dbSNP rs751123192, ClinGen allele CA390181919.